The following is an entry in ClinVar:

NM_004733.4(SLC33A1):c.1003T>G (p.Leu335Val)

Gene: SLC33A1 (solute carrier family 33 member 1; minus strand). Cytogenetic location: 3q25.31.
Variant type: single nucleotide variant.
Coding change: c.1003T>G on transcript NM_004733.4 (MANE Select); coding-DNA position 1003, T replaced by G.
Protein change: p.Leu335Val; replaces leucine 335 with valine.
Molecular consequence: missense variant.
Genome position (GRCh38, 1-based): chr3:155,834,002, A>C on the plus strand (T>G on the coding strand, the complement: SLC33A1 is on the minus strand). VCF-style: chr3-155834002-A-C. GRCh37 (hg19) VCF-style: chr3-155551791-A-C.
Other names: c.1003T>G, p.Leu335Val (NM_001190992.2); c.815T>G, p.Ile272Ser (NM_001363883.1); short protein forms I272S, L335V.
Identifiers: ClinVar variation 1423926 (VCV001423926.6), dbSNP rs1248630150, ClinGen allele CA355141469.

ClinVar aggregate classification (germline): Uncertain significance (1 of 4 stars; one submission).

Conditions:
Spastic paraplegia. Identifiers: MedGen C0037772, HP:0001258.

Allele frequency attached by ClinVar (database versions not stated): gnomAD exomes below 0.00001; TOPMed below 0.00001; gnomAD 0.00001.

Submission:

Labcorp Genetics (formerly Invitae), Labcorp
Classification: Uncertain significance for Spastic paraplegia. Last evaluated: 2022-06-27. Review status: criteria provided, single submitter. Criteria: Invitae Variant Classification Sherloc (09022015). Collection method: clinical testing. Allele origin: germline.
Comment: This sequence change replaces leucine, which is neutral and non-polar, with valine, which is neutral and non-polar, at codon 335 of the SLC33A1 protein (p.Leu335Val). In summary, the available evidence is currently insufficient to determine the role of this variant in disease. Therefore, it has been classified as a Variant of Uncertain Significance. Algorithms developed to predict the effect of missense changes on protein structure and function (SIFT, PolyPhen-2, Align-GVGD) all suggest that this variant is likely to be disruptive. This variant has not been reported in the literature in individuals affected with SLC33A1-related conditions. This variant is present in population databases (no rsID available, gnomAD 0.0009%).